The following is an entry in ClinVar:

ClinVar aggregate classification (germline): Benign/Likely benign. Review status: criteria provided, multiple submitters, no conflicts (2 of 4 stars). 2 submissions from 2 submitters: Benign (1); Likely benign (1). Last evaluated 2026-09-01.

Allele frequency attached by ClinVar (database versions not stated): gnomAD 0.00007; gnomAD exomes 0.00010; TOPMed 0.00014; ExAC 0.00015.
gnomAD v4.1: 73 of 1,613,686 alleles (0.0045%); highest among the groups gnomAD compares: Admixed American, 0.12%; no homozygotes.

Submissions (2):

CeGaT Center for Human Genetics Tuebingen
Classification: Likely benign. Last evaluated: 2026-09-01. Review status: criteria provided, single submitter. Criteria: CeGaT Center For Human Genetics Tuebingen Variant Classification Criteria Version 2. Collection method: clinical testing. Allele origin: germline. Affected: yes. Observed: 1 variant allele.
Comment: KMT2C: BP4, BP7, BS1

Labcorp Genetics (formerly Invitae), Labcorp
Classification: Benign. Last evaluated: 2025-06-02. Review status: criteria provided, single submitter. Criteria: Invitae Variant Classification Sherloc (09022015). Collection method: clinical testing. Allele origin: germline.

NM_170606.3(KMT2C):c.5511C>T (p.Thr1837=)

Gene: KMT2C (lysine methyltransferase 2C; minus strand). Cytogenetic location: 7q36.1.
Variant type: single nucleotide variant.
Coding change: c.5511C>T on transcript NM_170606.3 (MANE Select); coding-DNA position 5511, C replaced by T.
Protein change: p.Thr1837=; no amino-acid change (threonine 1837 retained).
Molecular consequence: synonymous variant.
Genome position (GRCh38, 1-based): chr7:152,182,349, G>A on the plus strand (C>T on the coding strand, the complement: KMT2C is on the minus strand). VCF-style: chr7-152182349-G-A. GRCh37 (hg19) VCF-style: chr7-151879434-G-A.
Identifiers: ClinVar variation 2056724 (VCV002056724.5), dbSNP rs758983541, ClinGen allele CA4580245.
Genomic context (GRCh38, chr7:152,182,349, plus strand): 5'-TGGAGGAGGAGGTGGAGCTTGTGGCTTTACAAACACATCATCTGAAGATGTAGACGTAGG[G>A]GTACTGGGTGGCTGTTTTGTAAACAGTTCTTTATGGAATGACTGTGCAGGAGACATATTT-3'
Protein context (NP_733751.2, residues 1827-1847): KELFTKQPPS[Thr1837=]PTSTSSDDVF